The following is an entry in ClinVar:

NM_000432.4(MYL2):c.170-54T>C

Gene: MYL2 (myosin light chain 2; minus strand). Cytogenetic location: 12q24.11.
Variant type: single nucleotide variant.
Coding change: c.170-54T>C on transcript NM_000432.4 (MANE Select); 54 bases into the intron before coding-DNA position 170, T replaced by C.
Molecular consequence: intron variant.
Genome position (GRCh38, 1-based): chr12:110,914,344, A>G on the plus strand (T>C on the coding strand, the complement: MYL2 is on the minus strand). VCF-style: chr12-110914344-A-G. GRCh37 (hg19) VCF-style: chr12-111352148-A-G.
Identifiers: ClinVar variation 674683 (VCV000674683.2), dbSNP rs7980471, ClinGen allele CA040510.
Genomic context (GRCh38, chr12:110,914,344, plus strand): 5'-ACTCGCCCTAGGGTAGGAAACACACACTCAGGGACTCCGAGCTGGGGAGAAAGAACCATT[A>G]TGACACTGCCATTGGCTCCTGGGATTCCACTTCAAGAAATCTAGTCTAGAAATCATCAGA-3'

ClinVar aggregate classification (germline): Benign. Review status: criteria provided, multiple submitters, no conflicts (2 of 4 stars). 2 submissions from 2 submitters: Benign (2). Last evaluated 2018-06-14.

Allele frequency attached by ClinVar (database versions not stated): 1000 Genomes Project 30x 0.02592; 1000 Genomes Project 0.02536; TOPMed 0.02611.
gnomAD v4.1: 6,330 of 1,259,414 alleles (0.5%); highest among the groups gnomAD compares: African/African-American, 8%; 230 homozygotes.

Submissions (2):

GeneDx
Classification: Benign. Last evaluated: 2018-06-14. Review status: criteria provided, single submitter. Criteria: GeneDx Variant Classification (06012015). Collection method: clinical testing. Allele origin: germline. Affected: yes.
Comment: This variant is considered likely benign or benign based on one or more of the following criteria: it is a conservative change, it occurs at a poorly conserved position in the protein, it is predicted to be benign by multiple in silico algorithms, and/or has population frequency not consistent with disease.

Breakthrough Genomics
Classification: Benign. Review status: criteria provided, single submitter. Criteria: ACMG Guidelines, 2015. Collection method: not provided. Allele origin: germline. Inheritance: Autosomal recessive inheritance. Affected: yes.